The following is an entry in ClinVar:

NM_004380.3(CREBBP):c.235G>A (p.Gly79Ser)

Gene: CREBBP (CREB binding lysine acetyltransferase; minus strand). Cytogenetic location: 16p13.3.
Variant type: single nucleotide variant.
Coding change: c.235G>A on transcript NM_004380.3 (MANE Select); coding-DNA position 235, G replaced by A.
Protein change: p.Gly79Ser; replaces glycine 79 with serine.
Molecular consequence: missense variant.
Genome position (GRCh38, 1-based): chr16:3,850,860, C>T on the plus strand (G>A on the coding strand, the complement: CREBBP is on the minus strand). VCF-style: chr16-3850860-C-T. GRCh37 (hg19) VCF-style: chr16-3900861-C-T.
Other names: c.235G>A, p.Gly79Ser (NM_001079846.1); short protein forms G79S.
Identifiers: ClinVar variation 1790139 (VCV001790139.7), dbSNP rs752992134, ClinGen allele CA7870719.

ClinVar aggregate classification (germline): Conflicting classifications of pathogenicity. Review status: criteria provided, conflicting classifications (1 of 4 stars). 4 submissions from 4 submitters: Uncertain significance (1); Likely benign (3). Last evaluated 2025-07-22.

Conditions:
Rubinstein-Taybi syndrome due to CREBBP mutations (RSTS1). Also called: CREBBP-Related Rubinstein-Taybi Syndrome; Rubinstein-Taybi syndrome 1; BROAD THUMBS AND GREAT TOES, CHARACTERISTIC FACIES, AND IMPAIRED INTELLECTUAL DEVELOPMENT; RUBINSTEIN SYNDROME; RUBINSTEIN-TAYBI SYNDROME 1, INCOMPLETE; BROAD THUMB-HALLUX SYNDROME. Identifiers: Orphanet 353277, Orphanet 783, MedGen C4551859, MONDO:0008393, OMIM 180849.
Menke-Hennekam syndrome 1 (MKHK1). Identifiers: MedGen C5193034, MONDO:0020763, OMIM 618332.
Rubinstein-Taybi syndrome (RSTS). Identifiers: Orphanet 783, MedGen C0035934, MONDO:0019188.
Inborn genetic diseases. Identifiers: MedGen C0950123, MeSH D030342.
CREBBP-related disorder. Also called: CREBBP-related condition; CREBBP-related disorders.

Allele frequency attached by ClinVar (database versions not stated): ExAC 0.00002; gnomAD 0.00002; TOPMed 0.00002.
gnomAD v4.1: 14 of 1,614,030 alleles (0.00087%); highest among the groups gnomAD compares: South Asian, 0.0011%; no homozygotes.

Submissions (4):

PreventionGenetics, part of Exact Sciences
Classification: Likely benign for CREBBP-related condition. Last evaluated: 2025-07-22. Review status: criteria provided, single submitter. Criteria: ACMG Guidelines, 2015. Collection method: clinical testing. Allele origin: germline.
Comment: This variant is classified as likely benign based on ACMG/AMP sequence variant interpretation guidelines (Richards et al. 2015 PMID: 25741868, with internal and published modifications).

Labcorp Genetics (formerly Invitae), Labcorp
Classification: Likely benign for Rubinstein-Taybi syndrome. Last evaluated: 2025-01-22. Review status: criteria provided, single submitter. Criteria: Invitae Variant Classification Sherloc (09022015). Collection method: clinical testing. Allele origin: germline.

Fulgent Genetics
Classification: Uncertain significance for Rubinstein-Taybi syndrome due to CREBBP mutations; Menke-Hennekam syndrome 1. Last evaluated: 2023-12-29. Review status: criteria provided, single submitter. Criteria: ACMG Guidelines, 2015. Collection method: clinical testing. Allele origin: germline.

Ambry Genetics
Classification: Likely benign for Inborn genetic diseases. Last evaluated: 2018-01-19. Review status: criteria provided, single submitter. Criteria: Ambry Variant Classification Scheme 2023. Collection method: clinical testing. Allele origin: germline.